The following is an entry in ClinVar:

ClinVar aggregate classification (germline): Uncertain significance. Review status: criteria provided, multiple submitters, no conflicts (2 of 4 stars). 2 submissions from 2 submitters: Uncertain significance (2). Last evaluated 2025-12-08.

Allele frequency attached by ClinVar (database versions not stated): gnomAD 0.00001; gnomAD exomes 0.00001 and 0.00004; ExAC 0.00002; TOPMed 0.00002.
gnomAD v4.1: 20 of 1,613,532 alleles (0.0012%); highest among the groups gnomAD compares: Admixed American, 0.032%; no homozygotes.

Submissions (2):

Ambry Genetics
Classification: Uncertain significance. Last evaluated: 2025-12-08. Review status: criteria provided, single submitter. Criteria: Ambry Variant Classification Scheme 2023. Collection method: clinical testing. Allele origin: germline.

Labcorp Genetics (formerly Invitae), Labcorp
Classification: Uncertain significance. Last evaluated: 2024-03-11. Review status: criteria provided, single submitter. Criteria: Invitae Variant Classification Sherloc (09022015). Collection method: clinical testing. Allele origin: germline.
Comment: This sequence change replaces aspartic acid, which is acidic and polar, with valine, which is neutral and non-polar, at codon 557 of the KANK4 protein (p.Asp557Val). This variant is present in population databases (rs776540677, gnomAD 0.03%). This variant has not been reported in the literature in individuals affected with KANK4-related conditions. ClinVar contains an entry for this variant (Variation ID: 1386967). An algorithm developed to predict the effect of missense changes on protein structure and function (PolyPhen-2) suggests that this variant is likely to be disruptive. In summary, the available evidence is currently insufficient to determine the role of this variant in disease. Therefore, it has been classified as a Variant of Uncertain Significance.

NM_181712.5(KANK4):c.1670A>T (p.Asp557Val)

Gene: KANK4 (KN motif and ankyrin repeat domains 4; minus strand). Cytogenetic location: 1p31.3.
Variant type: single nucleotide variant.
Coding change: c.1670A>T on transcript NM_181712.5 (MANE Select); coding-DNA position 1670, A replaced by T.
Protein change: p.Asp557Val; replaces aspartic acid 557 with valine.
Molecular consequence: missense variant. On other transcripts: intron variant (1).
Genome position (GRCh38, 1-based): chr1:62,273,434, T>A on the plus strand (A>T on the coding strand, the complement: KANK4 is on the minus strand). VCF-style: chr1-62273434-T-A. GRCh37 (hg19) VCF-style: chr1-62739106-T-A.
Other names: c.17-1845A>T (NM_001320269.2); c.1670A>T (NM_181712.4); short protein forms D557V.
Identifiers: ClinVar variation 1386967 (VCV001386967.7), dbSNP rs776540677, ClinGen allele CA884332.